The following is an entry in ClinVar:

NM_005630.3(SLCO2A1):c.611C>A (p.Ser204Ter)

Gene: SLCO2A1 (solute carrier organic anion transporter family member 2A1; minus strand). Cytogenetic location: 3q22.1.
Variant type: single nucleotide variant.
Coding change: c.611C>A on transcript NM_005630.3 (MANE Select); coding-DNA position 611, C replaced by A.
Protein change: p.Ser204Ter; replaces serine 204 with a stop codon.
Molecular consequence: nonsense.
Genome position (GRCh38, 1-based): chr3:133,954,980, G>T on the plus strand (C>A on the coding strand, the complement: SLCO2A1 is on the minus strand). VCF-style: chr3-133954980-G-T. GRCh37 (hg19) VCF-style: chr3-133673824-G-T.
Other names: short protein forms S204*.
Identifiers: ClinVar variation 5006545 (VCV005006545.2).
Genomic context (GRCh38, chr3:133,954,980, plus strand): 5'-CAGGACCTCACCCCTCCCCAAAGCCCTCTTCAAGCCGGTGACTCACAGATGTACAGGGGC[G>T]AGTTGCTGGGCTCTGAGAAGTCATCCACATAGGAGATCCCAAATGGCTGAATAGGCACTG-3'

ClinVar aggregate classification (germline): Likely pathogenic (1 of 4 stars; one submission).

Conditions:
Hypertrophic osteoarthropathy, primary, autosomal recessive, 2 (PHOAR2E). Also called: PACHYDERMOPERIOSTOSIS, AUTOSOMAL RECESSIVE; PDP, AUTOSOMAL RECESSIVE; HYPERTROPHIC OSTEOARTHROPATHY, PRIMARY, AUTOSOMAL RECESSIVE, 2/ENTEROPATHY SYNDROME; PHOAR2-enteropathy syndrome. Identifiers: Orphanet 2796, MedGen C3280800, MONDO:0013756, OMIM 614441.
Hypertrophic osteoarthropathy, primary, autosomal dominant. Also called: PACHYDERMOPERIOSTOSIS, AUTOSOMAL DOMINANT; PDP, AUTOSOMAL DOMINANT; PHO, AUTOSOMAL DOMINANT; PHOAD. Identifiers: Orphanet 2796, MedGen C2674695, MONDO:0008172, OMIM 167100.

Submission:

Juno Genomics, Hangzhou Juno Genomics, Inc
Classification: Likely pathogenic for Hypertrophic osteoarthropathy, primary, autosomal dominant; Hypertrophic osteoarthropathy, primary, autosomal recessive, 2. Review status: criteria provided, single submitter. Criteria: ACMG Guidelines, 2015. Collection method: clinical testing. Allele origin: germline.
Comment: Null variant in a gene where loss of function (LOF) is a known mechanism of disease.;Absent from controls (or at extremely low frequency if recessive) in Genome Aggregation Database.